The following is an entry in ClinVar:

NM_152722.5(HEPACAM):c.1196G>A (p.Gly399Asp)

Gene: HEPACAM (hepatic and glial cell adhesion molecule; minus strand). Cytogenetic location: 11q24.2.
Variant type: single nucleotide variant.
Coding change: c.1196G>A on transcript NM_152722.5 (MANE Select); coding-DNA position 1196, G replaced by A.
Protein change: p.Gly399Asp; replaces glycine 399 with aspartic acid.
Molecular consequence: missense variant.
Genome position (GRCh38, 1-based): chr11:124,921,193, C>T on the plus strand (G>A on the coding strand, the complement: HEPACAM is on the minus strand). VCF-style: chr11-124921193-C-T. GRCh37 (hg19) VCF-style: chr11-124791089-C-T.
Other names: c.1352G>A, p.Gly451Asp (NM_001411043.1); c.1193G>A, p.Gly398Asp (NM_001441320.1); short protein forms G398D, G399D, G451D.
Identifiers: ClinVar variation 4084202 (VCV004084202.8).

ClinVar aggregate classification (germline): Uncertain significance (1 of 4 stars; one submission).

gnomAD v4.1: 3 of 1,519,594 alleles (0.0002%); highest among the groups gnomAD compares: African/African-American, 0.0028%; no homozygotes.

Submission:

CeGaT Center for Human Genetics Tuebingen
Classification: Uncertain significance. Last evaluated: 2025-06-01. Review status: criteria provided, single submitter. Criteria: CeGaT Center For Human Genetics Tuebingen Variant Classification Criteria Version 2. Collection method: clinical testing. Allele origin: germline. Affected: yes. Observed: 1 variant allele.
Comment: HEPACAM: PM2